The following continues an entry in ClinVar:

NM_000158.4(GBE1):c.691+2T>C

Gene: GBE1. ClinVar aggregate classification (germline): Pathogenic/Likely pathogenic. Pathogenic (31); Likely pathogenic (1).

Submissions 10 to 24 of 45:

Variantyx, Inc.
Classification: Pathogenic for Glycogen storage disease, type IV. Last evaluated: 2025-03-26. Review status: criteria provided, single submitter. Criteria: Variantyx Assertion Criteria 2022. Collection method: clinical testing. Allele origin: maternal. Inheritance: Autosomal recessive inheritance.
Comment: This is a canonical splicing variant in the GBE1 gene (OMIM: 607839). Pathogenic variants in this gene have been associated with autosomal recessive glycogen storage disease IV (GSD4). This splicing variant is expected to result in loss of function, which is a known disease mechanism for GBE1 in this disorder (PMID: 15452297, 20058079) (PVS1). This variant has been identified in the homozygous or compound heterozygous state in at least 4 probands with severe onset disease resulting in pregnancy loss and fetal akinesia from the published literature (PMID: 19813197, 23218673, 26166723, 25489661) (PM3). This variant has a 0.1259% maximum allele frequency in non-founder control populations. Based on the current evidence, this variant is classified as pathogenic for autosomal recessive glycogen storage disease IV (GSD4).

Blueprint Genetics
Classification: Pathogenic for GBE1-related disorders. Last evaluated: 2024-11-20. Review status: criteria provided, single submitter. Criteria: ACMG Guidelines, 2015. Collection method: clinical testing. Allele origin: germline. Affected: yes. Observed: 5 variant alleles.

Fulgent Genetics
Classification: Pathogenic for Glycogen storage disease, type IV; Adult polyglucosan body disease. Last evaluated: 2024-05-09. Review status: criteria provided, single submitter. Criteria: ACMG Guidelines, 2015. Collection method: clinical testing. Allele origin: germline.

GeneDx
Classification: Pathogenic. Last evaluated: 2024-05-09. Review status: criteria provided, single submitter. Criteria: GeneDx Variant Classification Process June 2021. Collection method: clinical testing. Allele origin: germline. Affected: yes.
Comment: Identified in patients with features of GBE1-related glycogen storage disease or GBE1-related polyglucosan body disease referred for genetic testing at GeneDx or in published literature (PMID: 23218673, 19813197, 28507268); Canonical splice site variant predicted to result in a null allele in a gene for which loss of function is a known mechanism of disease; This variant is associated with the following publications: (PMID: 33060286, 34626176, 33879512, 23352160, 23218673, 25489661, 28507268, 31980526, 31862442, 30569318, 29379554, 31589614, 33726816, 32528171, 33332610, 31127727, 32668698, 34426522, 33820833, 35627109, 37273706, 37301908, 26166723, 19813197)

Mayo Clinic Laboratories, Mayo Clinic
Classification: Pathogenic. Last evaluated: 2024-04-23. Review status: criteria provided, single submitter. Criteria: ACMG Guidelines, 2015. Collection method: clinical testing. Allele origin: germline.
Comment: PP1, PP3, PS3, PS4_moderate, PVS1

Baylor Genetics
Classification: Pathogenic for Glycogen storage disease, type IV. Last evaluated: 2024-03-27. Review status: criteria provided, single submitter. Criteria: ACMG Guidelines, 2015. Collection method: clinical testing. Allele origin: unknown.

Ambry Genetics
Classification: Pathogenic for Inborn genetic diseases. Last evaluated: 2024-02-20. Review status: criteria provided, single submitter. Criteria: Ambry Variant Classification Scheme 2023. Collection method: clinical testing. Allele origin: germline.
Comment: The c.691+2T>C intronic alteration results from a T to C substitution two nucleotides after coding exon 5 of the GBE1 gene. Alterations that disrupt the canonical splice site are expected to cause aberrant splicing, resulting in an abnormal protein or a transcript that is subject to nonsense-mediated mRNA decay; however, +2T>C alterations are capable of generating wild-type transcripts in some genomic contexts and should be interpreted with caution (Lin, 2019). Based on data from gnomAD, the C allele has an overall frequency of 0.086% (194/224704) total alleles studied. The highest observed frequency was 0.144% (160/110918) of European (non-Finnish) alleles. This variant has been identified in the homozygous state and likely in trans with another GBE1 variant in multiple individuals and fetuses with features consistent with neuromuscular subtypes of GBE1-related glycogen storage disease, including biochemical or histological confirmation (Fernandez, 2010; Ravenscroft, 2013; Bendroth-Asmussen, 2016; Schene, 2019; Lef&egrave;vre, 2023). This nucleotide position is highly conserved in available vertebrate species. In silico splice site analysis predicts that this alteration will weaken the native splice donor site. Based on the available evidence, this alteration is classified as pathogenic.

Institute of Human Genetics, University of Leipzig Medical Center
Classification: Pathogenic for Adult polyglucosan body disease. Last evaluated: 2023-09-28. Review status: criteria provided, single submitter. Criteria: ACMG Guidelines, 2015. Collection method: clinical testing. Allele origin: unknown. Inheritance: Autosomal recessive inheritance. Affected: yes.
Comment: Criteria applied: PVS1,PM3_VSTR,PM2_SUP

Department of Pathology and Laboratory Medicine, Sinai Health System
Classification: Pathogenic for Glycogen storage disease, type IV. Last evaluated: 2023-08-09. Review status: criteria provided, single submitter. Criteria: ACMG Guidelines, 2015. Collection method: research. Allele origin: germline.

Revvity Omics, Revvity
Classification: Pathogenic. Last evaluated: 2022-11-21. Review status: criteria provided, single submitter. Criteria: ACMG Guidelines, 2015. Collection method: clinical testing. Allele origin: germline.

MGZ Medical Genetics Center
Classification: Pathogenic for Glycogen storage disease, type IV. Last evaluated: 2022-08-22. Review status: criteria provided, single submitter. Criteria: ACMG Guidelines, 2015. Collection method: clinical testing. Allele origin: germline. Affected: yes. Observed: 2 variant alleles.
Comment: ACMG criteria applied: PVS1, PM3, PS4_SUP, PM2_SUP

Broad Center for Mendelian Genomics, Broad Institute of MIT and Harvard
Classification: Pathogenic for Glycogen storage disease, type IV. Last evaluated: 2022-01-27. Review status: criteria provided, single submitter. Criteria: ACMG Guidelines, 2015. Collection method: curation. Allele origin: germline. Inheritance: Autosomal recessive inheritance.
Comment: The c.691+2T>C variant in GBE1 has been reported in at least 10 individuals with GBE1-related disorders (PMID: 19813197, 23218673, 25489661, 26166723, 26886200, 28507268, 29379554, 30569318, Akman 2015, Thomsen 2016) and has been identified in 0.1% (160/110918) of European (non-Finnish) chromosomes by the Genome Aggregation Database (gnomAD; dbSNP ID: rs192044702). Although this variant has been seen in the general population in a heterozygous state, its frequency is not high enough to rule out a pathogenic role. Of the many affected individuals, 1 was a compound heterozygote that carried a reported likely pathogenic variant in trans, and 2 were compound heterozygotes that carried a reported pathogenic variant with unknown phase, which increases the likelihood that the c.691+2T>C variant is pathogenic (Variation ID#: 2777; PMID: 25489661, 28507268, Akman 2015). This variant has also been reported in ClinVar (Variation ID#: 208584) and has been interpreted as pathogenic by multiple submitters. The phenotype of individuals homozygous or compound heterozygous for this variant is highly specific for GBE1-related disorders based on strict biochemical investigations consistent with disease (PMID: 19813197, 23218673). This variant is located in the 3' splice region. Computational tools predict a splicing impact, though this information is not predictive enough to determine pathogenicity. Loss of function of the GBE1 gene is an established disease mechanism in autosomal recessive GBE1-related disorders. In summary, this variant meets criteria to be classified as pathogenic for autosomal recessive GBE1-related disorders. ACMG/AMP Criteria applied: PVS1, PM3_strong, PP4 (Richards 2015).

Institute for Clinical Genetics, University Hospital TU Dresden, University Hospital TU Dresden
Classification: Pathogenic. Last evaluated: 2021-11-03. Review status: criteria provided, single submitter. Criteria: ACMG Guidelines, 2015. Collection method: clinical testing. Allele origin: germline.

Women's Health and Genetics/Laboratory Corporation of America, LabCorp
Classification: Pathogenic for Glycogen storage disease, type IV. Last evaluated: 2021-08-27. Review status: criteria provided, single submitter. Criteria: LabCorp Variant Classification Summary - May 2015. Collection method: clinical testing. Allele origin: germline.
Comment: Variant summary: GBE1 c.691+2T>C is located in a canonical splice-site and is predicted to affect mRNA splicing resulting in a significantly altered protein due to either exon skipping, shortening, or inclusion of intronic material. Several computational tools predict a significant impact on normal splicing: four predict the variant abolishes a 5' splicing donor site. However, these predictions have yet to be confirmed by functional studies. The variant allele was found at a frequency of 0.00089 in 193326 control chromosomes. This frequency is not significantly higher than expected for a pathogenic variant in GBE1 causing Glycogen Storage Disease, Type IV (0.00089 vs 0.0013), allowing no conclusion about variant significance. c.691+2T>C has been reported in the literature in several compound heterozygous individuals affected with Glycogen Storage Disease, Type IV (e.g. Fernandez_2010, Ravenscroft_2013, Bendroth-Asmussen_2016, Schene_2018, Szymanska_2018). These data indicate that the variant is likely to be associated with disease. Several publications also reported severely reduced enzyme activities in patient derived cells (e.g. Fernandez_2010, Ravenscroft_2013, Schene_2018, Szymanska_2018). 13 submitters have provided clinical-significance assessments for this variant in ClinVar after 2014, and all of them classified the variant as pathogenic. Based on the evidence outlined above, the variant was classified as pathogenic.

ARUP Laboratories, Molecular Genetics and Genomics, ARUP Laboratories
Classification: Pathogenic. Last evaluated: 2021-02-04. Review status: criteria provided, single submitter. Criteria: ARUP Molecular Germline Variant Investigation Process 2021. Collection method: clinical testing. Allele origin: germline.